The following is an entry in ClinVar:

NM_000090.4(COL3A1):c.2608-50C>T

Gene: COL3A1 (collagen type III alpha 1 chain; plus strand). Cytogenetic location: 2q32.2.
Variant type: single nucleotide variant.
Coding change: c.2608-50C>T on transcript NM_000090.4 (MANE Select); 50 bases into the intron before coding-DNA position 2608, C replaced by T.
Molecular consequence: intron variant.
Genome position (GRCh38, 1-based): chr2:189,003,684, C>T. VCF-style: chr2-189003684-C-T. GRCh37 (hg19) VCF-style: chr2-189868410-C-T.
Identifiers: ClinVar variation 254964 (VCV000254964.4), dbSNP rs3765161, ClinGen allele CA075473.

ClinVar aggregate classification (germline): Benign. Review status: criteria provided, multiple submitters, no conflicts (2 of 4 stars). 4 submissions from 4 submitters: Benign (4). Last evaluated 2026-09-21.

Allele frequency attached by ClinVar (database versions not stated): gnomAD exomes 0.05872 and 0.03886; 1000 Genomes Project 0.15176; ExAC 0.06606; gnomAD 0.12570 and 0.12047; 1000 Genomes Project 30x 0.15646; ESP Exome Variant Server 0.13094; TOPMed 0.13123.
gnomAD v4.1: 74,386 of 1,573,600 alleles (4.7%); highest among the groups gnomAD compares: African/African-American, 34%; 5,249 homozygotes.

Submissions (4):

Molecular Diagnostic Laboratory for Inherited Cardiovascular Disease, Montreal Heart Institute
Classification: Benign. Last evaluated: 2026-09-21. Review status: criteria provided, single submitter. Criteria: ACMG Guidelines, 2015. Collection method: clinical testing. Allele origin: germline. Affected: no.
Comment: BA1

GeneDx
Classification: Benign. Last evaluated: 2018-06-18. Review status: criteria provided, single submitter. Criteria: GeneDx Variant Classification (06012015). Collection method: clinical testing. Allele origin: germline. Affected: yes.
Comment: This variant is considered likely benign or benign based on one or more of the following criteria: it is a conservative change, it occurs at a poorly conserved position in the protein, it is predicted to be benign by multiple in silico algorithms, and/or has population frequency not consistent with disease.

Breakthrough Genomics
Classification: Benign. Review status: criteria provided, single submitter. Criteria: ACMG Guidelines, 2015. Collection method: not provided. Allele origin: germline. Inheritance: Autosomal recessive inheritance. Affected: yes.

PreventionGenetics, part of Exact Sciences
Classification: Benign. Review status: criteria provided, single submitter. Criteria: ACMG Guidelines, 2015. Collection method: clinical testing. Allele origin: germline.